The following is an entry in ClinVar:

NM_006218.4(PIK3CA):c.788A>G (p.Glu263Gly)

Gene: PIK3CA (phosphatidylinositol-4,5-bisphosphate 3-kinase catalytic subunit alpha; plus strand). Cytogenetic location: 3q26.32.
Variant type: single nucleotide variant.
Coding change: c.788A>G on transcript NM_006218.4 (MANE Select); coding-DNA position 788, A replaced by G.
Protein change: p.Glu263Gly; replaces glutamic acid 263 with glycine.
Molecular consequence: missense variant.
Genome position (GRCh38, 1-based): chr3:179,201,515, A>G. VCF-style: chr3-179201515-A-G. GRCh37 (hg19) VCF-style: chr3-178919303-A-G.
Other names: short protein forms E263G.
Identifiers: ClinVar variation 1761031 (VCV001761031.10), dbSNP rs778573303, ClinGen allele CA2710582.
Genomic context (GRCh38, chr3:179,201,515, plus strand): 5'-TTTTAGAATATCAGGGCAAGTATATTTTAAAAGTGTGTGGATGTGATGAATACTTCCTAG[A>G]AAAATATCCTCTGAGTCAGTATAAGGTGAGTAACAAGTTTCAAAATATTAATTTTTAATT-3'
Protein context (NP_006209.2, residues 253-273): KVCGCDEYFL[Glu263Gly]KYPLSQYKYI

ClinVar aggregate classification (germline): Conflicting classifications of pathogenicity. Review status: criteria provided, conflicting classifications (1 of 4 stars). 2 submissions from 2 submitters: Uncertain significance (1); Likely benign (1). Last evaluated 2022-12-08.

Conditions:
Inborn genetic diseases. Identifiers: MedGen C0950123, MeSH D030342.
Cowden syndrome (CS). Also called: Cowden's disease; Cowden's syndrome; Cowden disease. Identifiers: Orphanet 201, MedGen C0018553, MONDO:0016063. Disease mechanism: gain of function.

Allele frequency attached by ClinVar (database versions not stated): gnomAD exomes below 0.00001; gnomAD 0.00001; TOPMed 0.00001; ExAC 0.00003.
gnomAD v4.1: 5 of 1,605,094 alleles (0.00031%); highest among the groups gnomAD compares: East Asian, 0.011%; no homozygotes.

Submissions (2):

Labcorp Genetics (formerly Invitae), Labcorp
Classification: Uncertain significance for Cowden syndrome. Last evaluated: 2022-12-08. Review status: criteria provided, single submitter. Criteria: Invitae Variant Classification Sherloc (09022015). Collection method: clinical testing. Allele origin: germline.
Comment: Algorithms developed to predict the effect of missense changes on protein structure and function (SIFT, PolyPhen-2, Align-GVGD) all suggest that this variant is likely to be tolerated. In summary, the available evidence is currently insufficient to determine the role of this variant in disease. Therefore, it has been classified as a Variant of Uncertain Significance. ClinVar contains an entry for this variant (Variation ID: 1761031). This sequence change replaces glutamic acid, which is acidic and polar, with glycine, which is neutral and non-polar, at codon 263 of the PIK3CA protein (p.Glu263Gly). This variant is present in population databases (rs778573303, gnomAD 0.02%). This variant has not been reported in the literature in individuals affected with PIK3CA-related conditions.

Ambry Genetics
Classification: Likely benign for Inborn genetic diseases. Last evaluated: 2021-08-26. Review status: criteria provided, single submitter. Criteria: Ambry Variant Classification Scheme 2023. Collection method: clinical testing. Allele origin: germline.